The following is an entry in ClinVar:

NM_001042492.3(NF1):c.3662T>G (p.Leu1221Arg)

Gene: NF1 (neurofibromin 1; plus strand). Cytogenetic location: 17q11.2.
Variant type: single nucleotide variant.
Coding change: c.3662T>G on transcript NM_001042492.3 (MANE Select); coding-DNA position 3662, T replaced by G.
Protein change: p.Leu1221Arg; replaces leucine 1221 with arginine.
Molecular consequence: missense variant.
Genome position (GRCh38, 1-based): chr17:31,233,167, T>G. VCF-style: chr17-31233167-T-G. GRCh37 (hg19) VCF-style: chr17-29560185-T-G.
Other names: c.3662T>G, p.Leu1221Arg (NM_000267.4); short protein forms L1221R.
Identifiers: ClinVar variation 843506 (VCV000843506.9), dbSNP rs1597720167, ClinGen allele CA398990527.

ClinVar aggregate classification (germline): Pathogenic. Review status: criteria provided, multiple submitters, no conflicts (2 of 4 stars). 2 submissions from 2 submitters: Pathogenic (2). Last evaluated 2026-06-16.

Conditions:
Neurofibromatosis, type 1 (NF1). Also called: NEUROFIBROMATOSIS, TYPE I, SOMATIC; VON RECKLINGHAUSEN DISEASE; Peripheral type neurofibromatosis; Neurofibromatosis, type I. Identifiers: Orphanet 636, MedGen C0027831, MONDO:0018975, OMIM 162200. Disease mechanism: loss of function.

Submissions (2):

GeneDx
Classification: Pathogenic. Last evaluated: 2026-06-16. Review status: criteria provided, single submitter. Criteria: GeneDx Variant Classification Process June 2021. Collection method: clinical testing. Allele origin: germline.
Comment: Not observed at significant frequency in large population cohorts (gnomAD); In silico analysis supports that this missense variant has a deleterious effect on protein structure/function; This variant is associated with the following publications: (PMID: 23913538, 21354044, 40225167, 25486365, 22807134)

Labcorp Genetics (formerly Invitae), Labcorp
Classification: Pathogenic for Neurofibromatosis, type 1. Last evaluated: 2024-12-17. Review status: criteria provided, single submitter. Criteria: Invitae Variant Classification Sherloc (09022015). Collection method: clinical testing. Allele origin: germline.
Comment: This sequence change replaces leucine, which is neutral and non-polar, with arginine, which is basic and polar, at codon 1221 of the NF1 protein (p.Leu1221Arg). This variant is not present in population databases (gnomAD no frequency). This missense change has been observed in individual(s) with neurofibromatosis type 1 (PMID: 21354044). In at least one individual the variant was observed to be de novo. ClinVar contains an entry for this variant (Variation ID: 843506). Invitae Evidence Modeling of protein sequence and biophysical properties (such as structural, functional, and spatial information, amino acid conservation, physicochemical variation, residue mobility, and thermodynamic stability) indicates that this missense variant is expected to disrupt NF1 protein function with a positive predictive value of 95%. For these reasons, this variant has been classified as Pathogenic.

Literature cited by the submitters: PubMed 21354044 (cited by Labcorp Genetics (formerly Invitae), Labcorp).